The following is an entry in ClinVar:

ClinVar aggregate classification (germline): Uncertain significance (1 of 4 stars; one submission).

Allele frequency attached by ClinVar (database versions not stated): TOPMed below 0.00001.
gnomAD v4.1: 10 of 1,607,952 alleles (0.00062%); highest among the groups gnomAD compares: Non-Finnish European, 0.00077%; no homozygotes.

Submission:

Labcorp Genetics (formerly Invitae), Labcorp
Classification: Uncertain significance. Last evaluated: 2024-11-03. Review status: criteria provided, single submitter. Criteria: Invitae Variant Classification Sherloc (09022015). Collection method: clinical testing. Allele origin: germline.
Comment: This sequence change replaces glutamic acid, which is acidic and polar, with lysine, which is basic and polar, at codon 1243 of the AHDC1 protein (p.Glu1243Lys). This variant is not present in population databases (gnomAD no frequency). This variant has not been reported in the literature in individuals affected with AHDC1-related conditions. ClinVar contains an entry for this variant (Variation ID: 2907645). An algorithm developed to predict the effect of missense changes on protein structure and function (PolyPhen-2) suggests that this variant is likely to be disruptive. In summary, the available evidence is currently insufficient to determine the role of this variant in disease. Therefore, it has been classified as a Variant of Uncertain Significance.

NM_001371928.1(AHDC1):c.3727G>A (p.Glu1243Lys)

Gene: AHDC1 (AT-hook DNA binding motif containing 1; minus strand). Cytogenetic location: 1p36.11.
Variant type: single nucleotide variant.
Coding change: c.3727G>A on transcript NM_001371928.1 (MANE Select); coding-DNA position 3727, G replaced by A.
Protein change: p.Glu1243Lys; replaces glutamic acid 1243 with lysine.
Molecular consequence: missense variant.
Genome position (GRCh38, 1-based): chr1:27,548,389, C>T on the plus strand (G>A on the coding strand, the complement: AHDC1 is on the minus strand). VCF-style: chr1-27548389-C-T. GRCh37 (hg19) VCF-style: chr1-27874900-C-T.
Other names: c.3727G>A, p.Glu1243Lys (NM_001029882.3); c.-317G>A (NM_015699.1); short protein forms E1243K.
Identifiers: ClinVar variation 2907645 (VCV002907645.3), dbSNP rs2019311237, ClinGen allele CA339225307.
Genomic context (GRCh38, chr1:27,548,389, plus strand): 5'-TGGATGGGTAGCCTGAGGCAGCGGCAGAGGCGGATGTCGGGAAGCCCAGATGTGAGGCCT[C>T]GAACAGGTCCACCTTCTTCCGCCGTCCACGGCCCGGCTTGGAGCTACTCTGAAAGAGGAC-3'
Protein context (NP_001358857.1, residues 1233-1253): RGRRKKVDLF[Glu1243Lys]ASHLGFPTSA